The following is an entry in ClinVar:

NM_001042492.3(NF1):c.4660G>T (p.Val1554Leu)

Gene: NF1 (neurofibromin 1; plus strand). Cytogenetic location: 17q11.2.
Variant type: single nucleotide variant.
Coding change: c.4660G>T on transcript NM_001042492.3 (MANE Select); coding-DNA position 4660, G replaced by T.
Protein change: p.Val1554Leu; replaces valine 1554 with leucine.
Molecular consequence: missense variant.
Genome position (GRCh38, 1-based): chr17:31,261,793, G>T. VCF-style: chr17-31261793-G-T. GRCh37 (hg19) VCF-style: chr17-29588811-G-T.
Other names: c.4597G>T, p.Val1533Leu (NM_000267.4); short protein forms V1533L, V1554L.
Identifiers: ClinVar variation 4800769 (VCV004800769.1).

ClinVar aggregate classification (germline): Uncertain significance (1 of 4 stars; one submission).

Conditions:
Neurofibromatosis, type 1 (NF1). Also called: VON RECKLINGHAUSEN DISEASE; Neurofibromatosis, type I; NEUROFIBROMATOSIS, TYPE I, SOMATIC; Peripheral type neurofibromatosis. Identifiers: Orphanet 636, MedGen C0027831, MONDO:0018975, OMIM 162200. Disease mechanism: loss of function.

Submission:

Labcorp Genetics (formerly Invitae), Labcorp
Classification: Uncertain significance for Neurofibromatosis, type 1. Last evaluated: 2025-08-31. Review status: criteria provided, single submitter. Criteria: Invitae Variant Classification Sherloc (09022015). Collection method: clinical testing. Allele origin: germline.
Comment: This sequence change replaces valine, which is neutral and non-polar, with leucine, which is neutral and non-polar, at codon 1533 of the NF1 protein (p.Val1533Leu). This variant is not present in population databases (gnomAD no frequency). This variant has not been reported in the literature in individuals affected with NF1-related conditions. Invitae Evidence Modeling of protein sequence and biophysical properties (such as structural, functional, and spatial information, amino acid conservation, physicochemical variation, residue mobility, and thermodynamic stability) has been performed for this missense variant. However, the output from this modeling did not meet the statistical confidence thresholds required to predict the impact of this variant on NF1 protein function. In summary, the available evidence is currently insufficient to determine the role of this variant in disease. Therefore, it has been classified as a Variant of Uncertain Significance.